The following is an entry in ClinVar:

NM_016729.3(FOLR1):c.59G>A (p.Gly20Glu)

Genes: FOLR1 (folate receptor alpha; plus strand), FOLR1-AS1 (FOLR1 antisense RNA 1; minus strand). Cytogenetic location: 11q13.4.
Variant type: single nucleotide variant.
Coding change: c.59G>A on transcript NM_016729.3 (MANE Select); coding-DNA position 59, G replaced by A.
Protein change: p.Gly20Glu; replaces glycine 20 with glutamic acid.
Molecular consequence: missense variant.
Genome position (GRCh38, 1-based): chr11:72,192,232, G>A. VCF-style: chr11-72192232-G-A. GRCh37 (hg19) VCF-style: chr11-71903276-G-A.
Other names: c.59G>A, p.Gly20Glu (NM_000802.3, NM_016724.3, NM_016725.3); short protein forms G20E.
Identifiers: ClinVar variation 1396518 (VCV001396518.5), dbSNP rs566120497, ClinGen allele CA224401179.

ClinVar aggregate classification (germline): Uncertain significance (1 of 4 stars; one submission).

Conditions:
Cerebral folate transport deficiency. Also called: FOLR1-Related Cerebral Folate Transport Deficiency; FOLATE RECEPTOR DEFICIENCY; NEURODEGENERATION DUE TO CEREBRAL FOLATE TRANSPORT DEFICIENCY; Neurodegenerative syndrome due to cerebral folate transport deficiency; Cerebral folate deficiency syndrome. Identifiers: Orphanet 217382, MedGen C2751584, MONDO:0013110, OMIM 613068. Disease mechanism: loss of function.

Allele frequency attached by ClinVar (database versions not stated): gnomAD 0.00001; 1000 Genomes Project 30x 0.00016; 1000 Genomes Project 0.00020.
gnomAD v4.1: 6 of 1,614,194 alleles (0.00037%); highest among the groups gnomAD compares: South Asian, 0.0055%; no homozygotes.

Submission:

Labcorp Genetics (formerly Invitae), Labcorp
Classification: Uncertain significance for Cerebral folate transport deficiency. Last evaluated: 2022-07-05. Review status: criteria provided, single submitter. Criteria: Invitae Variant Classification Sherloc (09022015). Collection method: clinical testing. Allele origin: germline.
Comment: This sequence change replaces glycine, which is neutral and non-polar, with glutamic acid, which is acidic and polar, at codon 20 of the FOLR1 protein (p.Gly20Glu). This variant is not present in population databases (gnomAD no frequency). This variant has not been reported in the literature in individuals affected with FOLR1-related conditions. ClinVar contains an entry for this variant (Variation ID: 1396518). Algorithms developed to predict the effect of missense changes on protein structure and function (SIFT, PolyPhen-2, Align-GVGD) all suggest that this variant is likely to be tolerated. In summary, the available evidence is currently insufficient to determine the role of this variant in disease. Therefore, it has been classified as a Variant of Uncertain Significance.